The following is an entry in ClinVar:

NM_013351.2(TBX21):c.83G>A (p.Gly28Asp)

Genes: TBX21 (T-box transcription factor 21; plus strand), LOC109286563 (TBX21 promoter region; plus strand). Cytogenetic location: 17q21.32.
Variant type: single nucleotide variant.
Coding change: c.83G>A on transcript NM_013351.2 (MANE Select); coding-DNA position 83, G replaced by A.
Protein change: p.Gly28Asp; replaces glycine 28 with aspartic acid.
Molecular consequence: missense variant.
Genome position (GRCh38, 1-based): chr17:47,733,537, G>A. VCF-style: chr17-47733537-G-A. GRCh37 (hg19) VCF-style: chr17-45810903-G-A.
Other names: short protein forms G28D.
Identifiers: ClinVar variation 626179 (VCV000626179.3), dbSNP rs1567918419, ClinGen allele CA400057537.

ClinVar aggregate classification (germline): Uncertain significance. Review status: criteria provided, single submitter (1 of 4 stars). 2 submissions from 1 submitter: Uncertain significance (2). Last evaluated 2018-10-12.

Conditions:
Immunodeficiency 88. Also called: IMMUNODEFICIENCY 88, MYCOBACTERIOSIS, AUTOSOMAL RECESSIVE. Identifiers: MedGen C5562026, MONDO:0030483, OMIM 619630.
Asthma, nasal polyps, and aspirin intolerance. Also called: ASA TRIAD. Identifiers: MedGen C1859648, MONDO:0008834, OMIM 208550.

Submissions (2):

Center for Genomics, Ann and Robert H. Lurie Children's Hospital of Chicago
Classification: Uncertain significance for Asthma, nasal polyps, and aspirin intolerance. Last evaluated: 2018-10-12. Review status: criteria provided, single submitter. Criteria: ACMG Guidelines, 2015. Collection method: clinical testing. Allele origin: germline.
Comment: TBX21 NM_013351.1 exon 1 p.Gly28Asp (c.83G>A): This variant has not been reported in the literature and is not present in large control databases. Evolutionary conservation for this variant is limited or unavailable; computational predictive tools for this variant are unclear. In summary, data on this variant is insufficient for disease classification. Therefore, the clinical significance of this variant is uncertain.

Center for Genomics, Ann and Robert H. Lurie Children's Hospital of Chicago
Classification: Uncertain significance for Asthma, nasal polyps, and aspirin intolerance; Immunodeficiency 88. Review status: criteria provided, single submitter. Criteria: ACMG Guidelines, 2015. Collection method: clinical testing. Allele origin: germline.
Comment: the same text as in the submission from Center for Genomics, Ann and Robert H. Lurie Children's Hospital of Chicago above.